The following is an entry in ClinVar:

NM_000093.5(COL5A1):c.1900G>A (p.Gly634Ser)

Gene: COL5A1 (collagen type V alpha 1 chain; plus strand). Cytogenetic location: 9q34.3.
Variant type: single nucleotide variant.
Coding change: c.1900G>A on transcript NM_000093.5 (MANE Select); coding-DNA position 1900, G replaced by A.
Protein change: p.Gly634Ser; replaces glycine 634 with serine.
Molecular consequence: missense variant.
Genome position (GRCh38, 1-based): chr9:134,758,261, G>A. VCF-style: chr9-134758261-G-A. GRCh37 (hg19) VCF-style: chr9-137650107-G-A.
Other names: c.1900G>A, p.Gly634Ser (NM_001278074.1); short protein forms G634S.
Identifiers: ClinVar variation 519653 (VCV000519653.56), dbSNP rs183627101, ClinGen allele CA201092410.

ClinVar aggregate classification (germline): Uncertain significance. Review status: criteria provided, multiple submitters, no conflicts (2 of 4 stars). 3 submissions from 3 submitters: Uncertain significance (3). Last evaluated 2026-01-15.

Conditions:
Familial thoracic aortic aneurysm and aortic dissection (TAAD). Also called: Thoracic aortic aneurysms and dissections. Identifiers: Orphanet 91387, MedGen C4707243, MONDO:0019625.
Ehlers-Danlos syndrome, classic type, 1 (EDSCL1). Also called: Ehlers-Danlos Syndrome, Classic Type, COL5A1-Related; EDS I; Ehlers-Danlos syndrome, type 1; EHLERS-DANLOS SYNDROME, GRAVIS TYPE; EHLERS-DANLOS SYNDROME, SEVERE CLASSIC TYPE. Identifiers: MedGen C0268335, MONDO:0019567, OMIM 130000.

Allele frequency attached by ClinVar (database versions not stated): gnomAD exomes below 0.00001 and 0.00001; gnomAD 0.00001; TOPMed below 0.00001.
gnomAD v4.1: 5 of 1,613,828 alleles (0.00031%); highest among the groups gnomAD compares: Non-Finnish European, 0.00042%; no homozygotes.

Submissions (3):

Women's Health and Genetics/Laboratory Corporation of America, LabCorp
Classification: Uncertain significance. Last evaluated: 2026-01-15. Review status: criteria provided, single submitter. Criteria: LabCorp Variant Classification Summary - May 2015. Collection method: clinical testing. Allele origin: germline.
Comment: Variant summary: COL5A1 c.1900G>A (p.Gly634Ser) results in a non-conservative amino acid change in the encoded protein sequence. This variant disrupts the triple helix domain of COL5A1. Glycine residues within the Gly-Xaa-Yaa repeats of the triple helix domain are required for the structure and stability of fibrillar collagens (PMID: 7695699, 8218237, 19344236). Algorithms developed to predict the effect of missense changes on protein structure and function all suggest that this variant is likely to be disruptive. The variant allele was found at a frequency of 4e-06 in 250914 control chromosomes. The available data on variant occurrences in the general population are insufficient to allow any conclusion about variant significance. c.1900G>A has been observed in at least 1 individual(s) affected with clinical features of Ehlers-Danlos Syndrome, Classic Type, 1 (internal data). These data do not allow any conclusion about variant significance. To our knowledge, no experimental evidence demonstrating an impact on protein function has been reported. ClinVar contains an entry for this variant (Variation ID: 519653). Based on the evidence outlined above, the variant was classified as VUS-possibly pathogenic.

Labcorp Genetics (formerly Invitae), Labcorp
Classification: Uncertain significance for Ehlers-Danlos syndrome, classic type, 1. Last evaluated: 2023-12-21. Review status: criteria provided, single submitter. Criteria: Invitae Variant Classification Sherloc (09022015). Collection method: clinical testing. Allele origin: germline.
Comment: This sequence change replaces glycine, which is neutral and non-polar, with serine, which is neutral and polar, at codon 634 of the COL5A1 protein (p.Gly634Ser). This variant is present in population databases (rs183627101, gnomAD 0.0009%). This missense change has been observed in individual(s) with clinical features of COL5A1-related conditions (Invitae). ClinVar contains an entry for this variant (Variation ID: 519653). Advanced modeling of protein sequence and biophysical properties (such as structural, functional, and spatial information, amino acid conservation, physicochemical variation, residue mobility, and thermodynamic stability) performed at Invitae indicates that this missense variant is expected to disrupt COL5A1 protein function with a positive predictive value of 80%. This variant disrupts the triple helix domain of COL5A1. Glycine residues within the Gly-Xaa-Yaa repeats of the triple helix domain are required for the structure and stability of fibrillar collagens (PMID: 7695699, 8218237, 19344236), and variants at these glycine residues in COL5A1 are more frequently observed in individuals with disease than in the general population (PMID: 22696272, 23587214). However, the clinical significance of this observation remains uncertain since only a limited number of affected individuals have been described to date. In summary, the available evidence is currently insufficient to determine the role of this variant in disease. Therefore, it has been classified as a Variant of Uncertain Significance.

Ambry Genetics
Classification: Uncertain significance for Familial thoracic aortic aneurysm and aortic dissection. Last evaluated: 2017-06-30. Review status: criteria provided, single submitter. Criteria: Ambry Variant Classification Scheme 2023. Collection method: clinical testing. Allele origin: germline.
Comment: The p.G634S variant (also known as c.1900G>A), located in coding exon 18 of the COL5A1 gene, results from a G to A substitution at nucleotide position 1900. The glycine at codon 634 is replaced by serine, an amino acid with similar properties. This amino acid position is highly conserved in available vertebrate species. In addition, this alteration is predicted to be possibly damaging and deleterious by PolyPhen and SIFT in silico analyses, respectively. Internal structural analysis indicates that this variant disrupts a known motif needed for the proper helical structure characteristic of the protein (Orgel JP et al. Proc Natl Acad Sci U.S.A. 2006;103(24):9001-5; Hohenester E et al. Proc Natl Acad Sci U.S.A. 2008;105(47):18273-7). Although this variant removes a glycine residue in a Gly-X-Y motif in the triple helical domain of the type V collagen alpha 1 chain, remarkably few pathogenic variants resulting from the substitution of a glycine by a bulkier amino acid have been found in this gene, and haploinsufficiency is the most common disease mechanism. Furthermore, several glycine substitutions in the triple helical region have been reported in gnomAD with significant allele frequency and classified in ClinVar as variants of unknown significance. Since supporting evidence is limited at this time, the clinical significance of this alteration remains unclear.

Literature cited by the submitters: PubMed 7695699 (cited by Labcorp Genetics (formerly Invitae), Labcorp); PubMed 8218237 (cited by Labcorp Genetics (formerly Invitae), Labcorp); PubMed 19344236 (cited by Labcorp Genetics (formerly Invitae), Labcorp); PubMed 22696272 (cited by Labcorp Genetics (formerly Invitae), Labcorp); PubMed 23587214 (cited by Labcorp Genetics (formerly Invitae), Labcorp); PubMed 16751282 (cited by Ambry Genetics); PubMed 19011090 (cited by Ambry Genetics).